The following is an entry in ClinVar:

NM_001903.5(CTNNA1):c.617A>T (p.Gln206Leu)

Gene: CTNNA1 (catenin alpha 1; plus strand). Cytogenetic location: 5q31.2.
Variant type: single nucleotide variant.
Coding change: c.617A>T on transcript NM_001903.5 (MANE Select); coding-DNA position 617, A replaced by T.
Protein change: p.Gln206Leu; replaces glutamine 206 with leucine.
Molecular consequence: missense variant.
Genome position (GRCh38, 1-based): chr5:138,824,558, A>T. VCF-style: chr5-138824558-A-T. GRCh37 (hg19) VCF-style: chr5-138160247-A-T.
Other names: c.617A>T, p.Gln206Leu (NM_001290307.3, NM_001323982.2, NM_001323983.1 and 3 more transcripts); c.308A>T, p.Gln103Leu (NM_001290309.3); c.248A>T, p.Gln83Leu (NM_001290310.3); short protein forms Q83L, Q103L, Q206L.
Identifiers: ClinVar variation 1752044 (VCV001752044.2), dbSNP rs1370136860, ClinGen allele CA361129467.

ClinVar aggregate classification (germline): Uncertain significance (1 of 4 stars; one submission).

Conditions:
Hereditary cancer-predisposing syndrome. Also called: Hereditary Cancer Syndrome; Hereditary neoplastic syndrome; Neoplastic Syndromes, Hereditary; Tumor predisposition. Identifiers: Orphanet 140162, MedGen C0027672, MeSH D009386, MONDO:0015356.

Submission:

Ambry Genetics
Classification: Uncertain significance for Hereditary cancer-predisposing syndrome. Last evaluated: 2022-09-15. Review status: criteria provided, single submitter. Criteria: Ambry Variant Classification Scheme 2023. Collection method: clinical testing. Allele origin: germline.
Comment: The p.Q206L variant (also known as c.617A>T), located in coding exon 5 of the CTNNA1 gene, results from an A to T substitution at nucleotide position 617. The glutamine at codon 206 is replaced by leucine, an amino acid with dissimilar properties. This amino acid position is conserved. In addition, the in silico prediction for this alteration is inconclusive. Since supporting evidence is limited at this time, the clinical significance of this alteration remains unclear.